The following is an entry in ClinVar:

NM_197968.4(ZMYM2):c.3368C>T (p.Ala1123Val)

Gene: ZMYM2 (zinc finger MYM-type containing 2; plus strand). Cytogenetic location: 13q12.11.
Variant type: single nucleotide variant.
Coding change: c.3368C>T on transcript NM_197968.4 (MANE Select); coding-DNA position 3368, C replaced by T.
Protein change: p.Ala1123Val; replaces alanine 1123 with valine.
Molecular consequence: missense variant. On other transcripts: non-coding transcript variant (1).
Genome position (GRCh38, 1-based): chr13:20,067,305, C>T. VCF-style: chr13-20067305-C-T. GRCh37 (hg19) VCF-style: chr13-20641445-C-T.
Other names: c.3368C>T, p.Ala1123Val (NM_001190964.4, NM_001190965.4, NM_001353157.2 and 5 more transcripts); c.3173C>T, p.Ala1058Val (NM_001353161.3); c.3107C>T, p.Ala1036Val (NM_001353163.2); short protein forms A1036V, A1058V, A1123V.
Identifiers: ClinVar variation 3908058 (VCV003908058.1).

ClinVar aggregate classification (germline): Uncertain significance (1 of 4 stars; one submission).

Submission:

GeneDx
Classification: Uncertain significance. Last evaluated: 2024-12-31. Review status: criteria provided, single submitter. Criteria: GeneDx Variant Classification Process June 2021. Collection method: clinical testing. Allele origin: germline. Affected: yes.
Comment: Not observed at significant frequency in large population cohorts (gnomAD); In silico analysis supports that this missense variant has a deleterious effect on protein structure/function; Has not been previously published as pathogenic or benign to our knowledge